The following is an entry in ClinVar:

ClinVar aggregate classification (germline): Uncertain significance (1 of 4 stars; one submission).

Conditions:
Fanconi anemia (FA). Also called: Fanconi's anemia. Identifiers: Orphanet 84, MedGen C0015625, MeSH D005199, MONDO:0019391.

gnomAD v4.1: 4 of 1,547,878 alleles (0.00026%); highest among the groups gnomAD compares: African/African-American, 0.0055%; no homozygotes.

Submission:

Labcorp Genetics (formerly Invitae), Labcorp
Classification: Uncertain significance for Fanconi anemia. Last evaluated: 2025-02-17. Review status: criteria provided, single submitter. Criteria: Invitae Variant Classification Sherloc (09022015). Collection method: clinical testing. Allele origin: germline.
Comment: This sequence change falls in intron 22 of the FANCA gene. It does not directly change the encoded amino acid sequence of the FANCA protein. It affects a nucleotide within the consensus splice site. This variant is not present in population databases (gnomAD no frequency). This variant has not been reported in the literature in individuals affected with FANCA-related conditions. Variants that disrupt the consensus splice site are a relatively common cause of aberrant splicing (PMID: 17576681, 9536098). Algorithms developed to predict the effect of sequence changes on RNA splicing suggest that this variant is not likely to affect RNA splicing. In summary, the available evidence is currently insufficient to determine the role of this variant in disease. Therefore, it has been classified as a Variant of Uncertain Significance.

Literature cited by the submitters: PubMed 17576681; PubMed 9536098.

NM_000135.4(FANCA):c.2014+6G>A

Gene: FANCA (FA complementation group A; minus strand). Cytogenetic location: 16q24.3.
Variant type: single nucleotide variant.
Coding change: c.2014+6G>A on transcript NM_000135.4 (MANE Select); 6 bases into the intron after coding-DNA position 2014, G replaced by A.
Molecular consequence: intron variant.
Genome position (GRCh38, 1-based): chr16:89,773,265, C>T on the plus strand (G>A on the coding strand, the complement: FANCA is on the minus strand). VCF-style: chr16-89773265-C-T. GRCh37 (hg19) VCF-style: chr16-89839673-C-T.
Other names: c.2014+6G>A (NM_001286167.3).
Identifiers: ClinVar variation 3667270 (VCV003667270.2).